The following is an entry in ClinVar:

NC_000015.9:g.(?_32964889)_(32988830_?)dup

Genes: GREM1 (gremlin 1, DAN family BMP antagonist; plus strand), SCG5 (secretogranin V; plus strand). Cytogenetic location: 15q13.3.
Variant type: Duplication.
Identifiers: ClinVar variation 1040886 (VCV001040886.8).

ClinVar aggregate classification (germline): Uncertain significance (1 of 4 stars; one submission).

Conditions:
Familial colorectal cancer. Identifiers: MedGen CN280943, MONDO:0023113. Disease mechanism: loss of function.

Submission:

Labcorp Genetics (formerly Invitae), Labcorp
Classification: Uncertain significance for Familial colorectal cancer. Last evaluated: 2023-08-18. Review status: criteria provided, single submitter. Criteria: Invitae Variant Classification Sherloc (09022015). Collection method: clinical testing. Allele origin: germline.
Comment: A copy number gain of the genomic region encompassing the full coding sequence of the GREM1 gene has been identified. The boundaries of this event are unknown as they extend beyond the assayed region for this gene and therefore may encompass additional genes. As the precise location of this event is unknown, it may be in tandem or it may be located elsewhere in the genome. Two different tandem duplications (40 kb and 16 kb) spanning the 3' end of the SCG5 gene and the region upstream of the GREM1 gene have been reported in families with hereditary mixed polyposis syndrome (PMID: 22561515, 25992589, 26493165). However, the gain identified in this individual is different from those variants, and therefore the impact of the additional duplicated sequences on GREM1 expression and function has not been established. In summary, the available evidence is currently insufficient to determine the role of this variant in disease. Therefore, it has been classified as a Variant of Uncertain Significance.

Literature cited by the submitters: PubMed 22561515; PubMed 25992589; PubMed 26493165.